The following is an entry in ClinVar:

ClinVar aggregate classification (germline): Uncertain significance (1 of 4 stars; one submission).

Conditions:
Hereditary cancer-predisposing syndrome. Also called: Neoplastic Syndromes, Hereditary; Tumor predisposition; Hereditary Cancer Syndrome; Hereditary neoplastic syndrome. Identifiers: Orphanet 140162, MedGen C0027672, MeSH D009386, MONDO:0015356.

Submission:

Ambry Genetics
Classification: Uncertain significance for Hereditary cancer-predisposing syndrome. Last evaluated: 2025-07-18. Review status: criteria provided, single submitter. Criteria: Ambry Variant Classification Scheme 2023. Collection method: clinical testing. Allele origin: germline.
Comment: The p.D245V variant (also known as c.734A>T), located in coding exon 3 of the XRCC2 gene, results from an A to T substitution at nucleotide position 734. The aspartic acid at codon 245 is replaced by valine, an amino acid with highly dissimilar properties. This amino acid position is not well conserved in available vertebrate species. In addition, this alteration is predicted to be tolerated by in silico analysis. Since supporting evidence is limited at this time, the clinical significance of this alteration remains unclear.

NM_005431.2(XRCC2):c.734A>T (p.Asp245Val)

Gene: XRCC2 (X-ray repair cross complementing 2; minus strand). Cytogenetic location: 7q36.1.
Variant type: single nucleotide variant.
Coding change: c.734A>T on transcript NM_005431.2 (MANE Select); coding-DNA position 734, A replaced by T.
Protein change: p.Asp245Val; replaces aspartic acid 245 with valine.
Molecular consequence: missense variant.
Genome position (GRCh38, 1-based): chr7:152,648,751, T>A on the plus strand (A>T on the coding strand, the complement: XRCC2 is on the minus strand). VCF-style: chr7-152648751-T-A. GRCh37 (hg19) VCF-style: chr7-152345836-T-A.
Other names: short protein forms D245V.
Identifiers: ClinVar variation 1758441 (VCV001758441.4), dbSNP rs749779141, ClinGen allele CA169486938.
Genomic context (GRCh38, chr7:152,648,751, plus strand): 5'-AAACTGTTACTTTTTAAACAACGTGAAACTAATGAAAATTGGTTGCTGCTTTGAGAATCA[T>A]CTTGTTTGGAGAAAAACATCCTGTGCTTCACCAGTTGCTGCCATGCCTTACAGAGATAAG-3'
Protein context (NP_005422.1, residues 235-255): VKHRMFFSKQ[Asp245Val]DSQSSNQFSL